The following is an entry in ClinVar:

ClinVar aggregate classification (germline): Uncertain significance. Review status: criteria provided, multiple submitters, no conflicts (2 of 4 stars). 2 submissions from 2 submitters: Uncertain significance (2). Last evaluated 2022-06-24.

Conditions:
Inborn genetic diseases. Identifiers: MedGen C0950123, MeSH D030342.
Early-onset Parkinson disease 20. Also called: PARKINSON DISEASE 20, AUTOSOMAL RECESSIVE EARLY-ONSET. Identifiers: Orphanet 391411, MedGen C3809824, MONDO:0014233, OMIM 615530.
Developmental and epileptic encephalopathy, 53. Also called: Epileptic encephalopathy, early infantile, 53. Identifiers: MedGen C4479313, MONDO:0033362, OMIM 617389.

Allele frequency attached by ClinVar (database versions not stated): gnomAD 0.00001; 1000 Genomes Project 30x 0.00016.
gnomAD v4.1: 6 of 1,535,466 alleles (0.00039%); highest among the groups gnomAD compares: South Asian, 0.0048%; no homozygotes.

Submissions (2):

Labcorp Genetics (formerly Invitae), Labcorp
Classification: Uncertain significance for Developmental and epileptic encephalopathy, 53; Early-onset Parkinson disease 20. Last evaluated: 2022-06-24. Review status: criteria provided, single submitter. Criteria: Invitae Variant Classification Sherloc (09022015). Collection method: clinical testing. Allele origin: germline.
Comment: In summary, the available evidence is currently insufficient to determine the role of this variant in disease. Therefore, it has been classified as a Variant of Uncertain Significance. Algorithms developed to predict the effect of missense changes on protein structure and function are either unavailable or do not agree on the potential impact of this missense change (SIFT: "Deleterious"; PolyPhen-2: "Possibly Damaging"; Align-GVGD: "Class C0"). ClinVar contains an entry for this variant (Variation ID: 945173). This variant has not been reported in the literature in individuals affected with SYNJ1-related conditions. This variant is present in population databases (rs535611172, gnomAD 0.009%). This sequence change replaces glycine, which is neutral and non-polar, with cysteine, which is neutral and slightly polar, at codon 20 of the SYNJ1 protein (p.Gly20Cys).

Ambry Genetics
Classification: Uncertain significance for Inborn genetic diseases. Last evaluated: 2022-05-25. Review status: criteria provided, single submitter. Criteria: Ambry Variant Classification Scheme 2023. Collection method: clinical testing. Allele origin: germline.

NM_203446.3(SYNJ1):c.-60G>T

Gene: SYNJ1 (synaptojanin 1; minus strand). Cytogenetic location: 21q22.11.
Variant type: single nucleotide variant.
Coding change: c.-60G>T on transcript NM_203446.3 (MANE Select); 60 bases upstream of the start codon, G replaced by T.
Molecular consequence: 5 prime UTR variant. On other transcripts: missense variant (1).
Genome position (GRCh38, 1-based): chr21:32,727,983, C>A on the plus strand (G>T on the coding strand, the complement: SYNJ1 is on the minus strand). VCF-style: chr21-32727983-C-A. GRCh37 (hg19) VCF-style: chr21-34100294-C-A.
Other names: c.58G>T, p.Gly20Cys (NM_003895.4); short protein forms G20C.
Identifiers: ClinVar variation 945173 (VCV000945173.7), dbSNP rs535611172, ClinGen allele CA319437603.
Genomic context (GRCh38, chr21:32,727,983, plus strand): 5'-CCGCCCCCCGCCGGCTTGCTCACCTCTTCCTCCGGCTCCTCCTCCTCCTTCTCCCGCAGC[C>A]GCCGCCACAGCCGCCGGGAGCGTCACTTCCGCTCCAGCAGGCCCATCTCTTCCGCATTGC-3'